The following is an entry in ClinVar:

NM_001927.4(DES):c.314_315delinsCT (p.Arg105Pro)

Gene: DES (desmin; plus strand). Cytogenetic location: 2q35.
Variant type: Indel.
Coding change: c.314_315delinsCT on transcript NM_001927.4 (MANE Select); coding-DNA positions 314 to 315, GC replaced by CT.
Protein change: p.Arg105Pro; replaces arginine 105 with proline.
Molecular consequence: missense variant.
Genome position (GRCh38, 1-based): chr2:219,418,776-219,418,777, GC replaced by CT. VCF-style: chr2-219418776-GC-CT. GRCh37 (hg19) VCF-style: chr2-220283498-GC-CT.
Other names: c.314_315delinsCT, p.Arg105Pro (NM_001382708.1, NM_001382709.1, NM_001382710.1 and 3 more transcripts); short protein forms R105P.
Identifiers: ClinVar variation 2450702 (VCV002450702.2), dbSNP rs2545247229, ClinGen allele CA2580065781.

ClinVar aggregate classification (germline): Uncertain significance (1 of 4 stars; one submission).

Conditions:
Cardiovascular phenotype. Identifiers: MedGen CN230736.

Submission:

Ambry Genetics
Classification: Uncertain significance for Cardiovascular phenotype. Last evaluated: 2023-02-01. Review status: criteria provided, single submitter. Criteria: Ambry Variant Classification Scheme 2023. Collection method: clinical testing. Allele origin: germline.
Comment: The c.314_315delGCinsCT variant, located in coding exon 1 of the DES gene, results from an in-frame deletion of GC and insertion of CT at nucleotide positions 314 to 315. This results in the substitution of the arginine residue for a proline residue at codon 105, an amino acid with dissimilar properties. This amino acid position is highly conserved in available vertebrate species. In addition, the in silico prediction for this alteration is inconclusive (Choi Y et al. PLoS ONE. 2012; 7(10):e46688). Since supporting evidence is limited at this time, the clinical significance of this alteration remains unclear.